The following is an entry in ClinVar:

NM_014806.5(RUSC2):c.1460C>T (p.Pro487Leu)

Gene: RUSC2 (RUN and SH3 domain containing 2; plus strand). Cytogenetic location: 9p13.3.
Variant type: single nucleotide variant.
Coding change: c.1460C>T on transcript NM_014806.5 (MANE Select); coding-DNA position 1460, C replaced by T.
Protein change: p.Pro487Leu; replaces proline 487 with leucine.
Molecular consequence: missense variant. On other transcripts: non-coding transcript variant (1), intron variant (1).
Genome position (GRCh38, 1-based): chr9:35,547,981, C>T. VCF-style: chr9-35547981-C-T. GRCh37 (hg19) VCF-style: chr9-35547978-C-T.
Other names: c.1460C>T, p.Pro487Leu (NM_001135999.2); c.-620-7079C>T (NM_001330740.2); short protein forms P487L.
Identifiers: ClinVar variation 1481047 (VCV001481047.8), dbSNP rs745795059, ClinGen allele CA5043645.

ClinVar aggregate classification (germline): Uncertain significance (1 of 4 stars; one submission).

Allele frequency attached by ClinVar (database versions not stated): ExAC 0.00001; gnomAD exomes 0.00001.
gnomAD v4.1: 8 of 1,614,156 alleles (0.0005%); highest among the groups gnomAD compares: Middle Eastern, 0.016%; no homozygotes.

Submission:

Labcorp Genetics (formerly Invitae), Labcorp
Classification: Uncertain significance. Last evaluated: 2022-11-01. Review status: criteria provided, single submitter. Criteria: Invitae Variant Classification Sherloc (09022015). Collection method: clinical testing. Allele origin: germline.
Comment: This sequence change replaces proline, which is neutral and non-polar, with leucine, which is neutral and non-polar, at codon 487 of the RUSC2 protein (p.Pro487Leu). In summary, the available evidence is currently insufficient to determine the role of this variant in disease. Therefore, it has been classified as a Variant of Uncertain Significance. Algorithms developed to predict the effect of missense changes on protein structure and function (SIFT, PolyPhen-2, Align-GVGD) all suggest that this variant is likely to be disruptive. ClinVar contains an entry for this variant (Variation ID: 1481047). This variant has not been reported in the literature in individuals affected with RUSC2-related conditions. This variant is present in population databases (rs745795059, gnomAD 0.01%).